The following is an entry in ClinVar:

NM_004990.4(MARS1):c.1595A>G (p.Tyr532Cys)

Gene: MARS1 (methionyl-tRNA synthetase 1; plus strand). Cytogenetic location: 12q13.3.
Variant type: single nucleotide variant.
Coding change: c.1595A>G on transcript NM_004990.4 (MANE Select); coding-DNA position 1595, A replaced by G.
Protein change: p.Tyr532Cys; replaces tyrosine 532 with cysteine.
Molecular consequence: missense variant.
Genome position (GRCh38, 1-based): chr12:57,512,063, A>G. VCF-style: chr12-57512063-A-G. GRCh37 (hg19) VCF-style: chr12-57905846-A-G.
Other names: short protein forms Y532C.
Identifiers: ClinVar variation 2928695 (VCV002928695.3), dbSNP rs200241086, ClinGen allele CA6650554.

ClinVar aggregate classification (germline): Uncertain significance (1 of 4 stars; one submission).

Conditions:
Charcot-Marie-Tooth disease axonal type 2U. Also called: CHARCOT-MARIE-TOOTH NEUROPATHY, TYPE 2U; CHARCOT-MARIE-TOOTH DISEASE, AXONAL, AUTOSOMAL DOMINANT, TYPE 2U. Identifiers: Orphanet 397735, MedGen C4084821, MONDO:0014566, OMIM 616280.
Severe early-onset pulmonary alveolar proteinosis due to MARS deficiency. Also called: PULMONARY ALVEOLAR PROTEINOSIS, REUNION ISLAND; Interstitial lung and liver disease. Identifiers: Orphanet 440427, MedGen C4225400, MONDO:0014206, OMIM 615486.

Allele frequency attached by ClinVar (database versions not stated): gnomAD exomes below 0.00001; gnomAD 0.00001; ExAC 0.00002.
gnomAD v4.1: 10 of 1,613,980 alleles (0.00062%); highest among the groups gnomAD compares: South Asian, 0.0088%; no homozygotes.

Submission:

Labcorp Genetics (formerly Invitae), Labcorp
Classification: Uncertain significance for Charcot-Marie-Tooth disease axonal type 2U; Severe early-onset pulmonary alveolar proteinosis due to MARS deficiency. Last evaluated: 2023-12-19. Review status: criteria provided, single submitter. Criteria: Invitae Variant Classification Sherloc (09022015). Collection method: clinical testing. Allele origin: germline.
Comment: This sequence change replaces tyrosine, which is neutral and polar, with cysteine, which is neutral and slightly polar, at codon 532 of the MARS protein (p.Tyr532Cys). This variant is present in population databases (rs200241086, gnomAD 0.01%). This variant has not been reported in the literature in individuals affected with MARS-related conditions. An algorithm developed to predict the effect of missense changes on protein structure and function (PolyPhen-2) suggests that this variant is likely to be disruptive. In summary, the available evidence is currently insufficient to determine the role of this variant in disease. Therefore, it has been classified as a Variant of Uncertain Significance.